The following is an entry in ClinVar:

ClinVar aggregate classification (germline): Conflicting classifications of pathogenicity. Review status: criteria provided, conflicting classifications (1 of 4 stars). 5 submissions from 5 submitters: Uncertain significance (2); Benign (1); Likely benign (1). 1 of the submissions does not count toward it. Last evaluated 2026-01-31.

Conditions:
ABCA12-related disorder. Also called: ABCA12-related condition.
Congenital ichthyosis of skin. Identifiers: MedGen C0020758.

Allele frequency attached by ClinVar (database versions not stated): gnomAD 0.00043 and 0.00044; gnomAD exomes 0.00050 and 0.00073; TOPMed 0.00053; ESP Exome Variant Server 0.00054; ExAC 0.00061.
gnomAD v4.1: 850 of 1,614,182 alleles (0.053%); highest among the groups gnomAD compares: Middle Eastern, 0.41%; 4 homozygotes.

Submissions (5):

Labcorp Genetics (formerly Invitae), Labcorp
Classification: Benign. Last evaluated: 2026-01-31. Review status: criteria provided, single submitter. Criteria: Invitae Variant Classification Sherloc (09022015). Collection method: clinical testing. Allele origin: germline.

Blueprint Genetics
Classification: Likely benign. Last evaluated: 2024-11-21. Review status: criteria provided, single submitter. Criteria: ACMG Guidelines, 2015. Collection method: clinical testing. Allele origin: germline.

Illumina Laboratory Services, Illumina
Classification: Uncertain significance for Congenital ichthyosis of skin. Last evaluated: 2017-04-27. Review status: criteria provided, single submitter. Criteria: ICSL Variant Classification Criteria 13 December 2019. Collection method: clinical testing. Allele origin: germline.

Breakthrough Genomics
Classification: Uncertain significance. Review status: criteria provided, single submitter. Criteria: ACMG Guidelines, 2015. Collection method: not provided. Allele origin: germline. Inheritance: Autosomal recessive inheritance. Affected: yes.

PreventionGenetics, part of Exact Sciences
Classification: Likely benign for ABCA12-related condition. Last evaluated: 2024-03-19. Review status: no assertion criteria provided. Collection method: clinical testing. Allele origin: germline. Not counted in ClinVar's aggregate classification.
Comment: This variant is classified as likely benign based on ACMG/AMP sequence variant interpretation guidelines (Richards et al. 2015 PMID: 25741868, with internal and published modifications).

NM_173076.3(ABCA12):c.6704A>C (p.Glu2235Ala)

Genes: ABCA12 (ATP binding cassette subfamily A member 12; minus strand), SNHG31 (small nucleolar RNA host gene 31; plus strand). Cytogenetic location: 2q35.
Variant type: single nucleotide variant.
Coding change: c.6704A>C on transcript NM_173076.3 (MANE Select); coding-DNA position 6704, A replaced by C.
Protein change: p.Glu2235Ala; replaces glutamic acid 2235 with alanine.
Molecular consequence: missense variant. On other transcripts: non-coding transcript variant (1).
Genome position (GRCh38, 1-based): chr2:214,951,027, T>G on the plus strand (A>C on the coding strand, the complement: ABCA12 is on the minus strand). VCF-style: chr2-214951027-T-G. GRCh37 (hg19) VCF-style: chr2-215815751-T-G.
Other names: c.5750A>C, p.Glu1917Ala (NM_015657.4); short protein forms E1917A, E2235A.
Identifiers: ClinVar variation 895083 (VCV000895083.10), dbSNP rs138504099, ClinGen allele CA2090840.
Genomic context (GRCh38, chr2:214,951,027, plus strand): 5'-TGGACCAAGTCAAATTCAGCTGCACCACTCTCAACTCTTAATCTCTCAGCCCGCACATCT[T>G]CATCCTCATCTATTGTCTCCCTTACATGTGAAGAATTAAATTTTCTGAAGAAAAGCCTAA-3'
Protein context (NP_775099.2, residues 2225-2245): SHVRETIDED[Glu2235Ala]DVRAERLRVE